The following is an entry in ClinVar:

ClinVar aggregate classification (germline): Uncertain significance (1 of 4 stars; one submission).

Conditions:
Hyperphosphatasia with intellectual disability syndrome 5 (GPIBD11). Also called: GLYCOSYLPHOSPHATIDYLINOSITOL BIOSYNTHESIS DEFECT 11. Identifiers: Orphanet 247262, MedGen C4014958, MONDO:0014457, OMIM 616025.

Submission:

Labcorp Genetics (formerly Invitae), Labcorp
Classification: Uncertain significance for Hyperphosphatasia with intellectual disability syndrome 5. Last evaluated: 2021-09-26. Review status: criteria provided, single submitter. Criteria: Invitae Variant Classification Sherloc (09022015). Collection method: clinical testing. Allele origin: germline.
Comment: In summary, the available evidence is currently insufficient to determine the role of this variant in disease. Therefore, it has been classified as a Variant of Uncertain Significance. Algorithms developed to predict the effect of missense changes on protein structure and function are either unavailable or do not agree on the potential impact of this missense change (SIFT: "Not Available"; PolyPhen-2: "Benign"; Align-GVGD: "Not Available"). This variant has not been reported in the literature in individuals with PIGW-related conditions. The frequency data for this variant in the population databases is not available, as this variant may be reported as separate entries in the ExAC database. This sequence change replaces alanine with isoleucine at codon 91 of the PIGW protein (p.Ala91Ile). The alanine residue is moderately conserved and there is a moderate physicochemical difference between alanine and isoleucine.

NM_001346754.2(PIGW):c.271_272delinsAT (p.Ala91Ile)

Genes: MYO19 (myosin XIX; minus strand), PIGW (phosphatidylinositol glycan anchor biosynthesis class W; plus strand). Cytogenetic location: 17q12.
Variant type: Indel.
Coding change: c.271_272delinsAT on transcript NM_001346754.2 (MANE Select); coding-DNA positions 271 to 272, GC replaced by AT.
Protein change: p.Ala91Ile; replaces alanine 91 with isoleucine.
Molecular consequence: missense variant.
Genome position (GRCh38, 1-based): chr17:36,537,372-36,537,373, GC replaced by AT. VCF-style: chr17-36537372-GC-AT. GRCh37 (hg19) VCF-style: chr17-34893221-GC-AT.
Other names: c.271_272delinsAT, p.Ala91Ile (NM_001346755.2, NM_178517.5); short protein forms A91I.
Identifiers: ClinVar variation 1472249 (VCV001472249.6), dbSNP rs2142614917, ClinGen allele CA2573153737.